The following is an entry in ClinVar:

NM_000540.3(RYR1):c.2056G>T (p.Ala686Ser)

Gene: RYR1 (ryanodine receptor 1; plus strand). Cytogenetic location: 19q13.2.
Variant type: single nucleotide variant.
Coding change: c.2056G>T on transcript NM_000540.3 (MANE Select); coding-DNA position 2056, G replaced by T.
Protein change: p.Ala686Ser; replaces alanine 686 with serine.
Molecular consequence: missense variant.
Genome position (GRCh38, 1-based): chr19:38,458,181, G>T. VCF-style: chr19-38458181-G-T. GRCh37 (hg19) VCF-style: chr19-38948821-G-T.
Other names: c.2056G>T, p.Ala686Ser (NM_001042723.2); short protein forms A686S.
Identifiers: ClinVar variation 2731593 (VCV002731593.3), dbSNP rs2514042338, ClinGen allele CA405696716.
Genomic context (GRCh38, chr19:38,458,181, plus strand): 5'-ATGGTGGACGAGGTGACTCCATTTCTGACAGCTCAGGCCACCCACTTGCGGGTGGGCTGG[G>T]CCCTCACCGAGGGCTACACCCCCTACCCTGGGGCCGGCGAGGGCTGGGGCGGCAACGGGG-3'
Protein context (NP_000531.2, residues 676-696): AQATHLRVGW[Ala686Ser]LTEGYTPYPG

ClinVar aggregate classification (germline): Uncertain significance (1 of 4 stars; one submission).

Conditions:
RYR1-related disorder. Also called: RYR1-related condition; RYR1-related disorders. Identifiers: MedGen CN239331.

Submission:

Labcorp Genetics (formerly Invitae), Labcorp
Classification: Uncertain significance for RYR1-related disorder. Last evaluated: 2023-12-23. Review status: criteria provided, single submitter. Criteria: Invitae Variant Classification Sherloc (09022015). Collection method: clinical testing. Allele origin: germline.
Comment: This sequence change replaces alanine, which is neutral and non-polar, with serine, which is neutral and polar, at codon 686 of the RYR1 protein (p.Ala686Ser). This variant is not present in population databases (gnomAD no frequency). This variant has not been reported in the literature in individuals affected with RYR1-related conditions. Advanced modeling of protein sequence and biophysical properties (such as structural, functional, and spatial information, amino acid conservation, physicochemical variation, residue mobility, and thermodynamic stability) has been performed at Invitae for this missense variant, however the output from this modeling did not meet the statistical confidence thresholds required to predict the impact of this variant on RYR1 protein function. In summary, the available evidence is currently insufficient to determine the role of this variant in disease. Therefore, it has been classified as a Variant of Uncertain Significance.